The following is an entry in ClinVar:

NM_032043.3(BRIP1):c.1738T>A (p.Ser580Thr)

Gene: BRIP1 (BRCA1 interacting DNA helicase 1; minus strand). Cytogenetic location: 17q23.2.
Variant type: single nucleotide variant.
Coding change: c.1738T>A on transcript NM_032043.3 (MANE Select); coding-DNA position 1738, T replaced by A.
Protein change: p.Ser580Thr; replaces serine 580 with threonine.
Molecular consequence: missense variant.
Genome position (GRCh38, 1-based): chr17:61,780,896, A>T on the plus strand (T>A on the coding strand, the complement: BRIP1 is on the minus strand). VCF-style: chr17-61780896-A-T. GRCh37 (hg19) VCF-style: chr17-59858257-A-T.
Other names: short protein forms S580T.
Identifiers: ClinVar variation 2070422 (VCV002070422.4), dbSNP rs746494295, ClinGen allele CA400480355.

ClinVar aggregate classification (germline): Uncertain significance (1 of 4 stars; one submission).

Conditions:
Familial cancer of breast. Also called: Hereditary breast cancer; hereditary breast carcinoma; BREAST CANCER, FAMILIAL. Identifiers: Orphanet 227535, MedGen C0346153, MONDO:0016419, OMIM 114480. Disease mechanism: loss of function.
Fanconi anemia complementation group J. Also called: BRIP1-Related Fanconi Anemia. Identifiers: Orphanet 84, MedGen C1836860, MONDO:0012187, OMIM 609054.

Submission:

Labcorp Genetics (formerly Invitae), Labcorp
Classification: Uncertain significance for Familial cancer of breast; Fanconi anemia complementation group J. Last evaluated: 2022-03-04. Review status: criteria provided, single submitter. Criteria: Invitae Variant Classification Sherloc (09022015). Collection method: clinical testing. Allele origin: germline.
Comment: In summary, the available evidence is currently insufficient to determine the role of this variant in disease. Therefore, it has been classified as a Variant of Uncertain Significance. Algorithms developed to predict the effect of missense changes on protein structure and function (SIFT, PolyPhen-2, Align-GVGD) all suggest that this variant is likely to be tolerated. This variant has not been reported in the literature in individuals affected with BRIP1-related conditions. This variant is not present in population databases (gnomAD no frequency). This sequence change replaces serine, which is neutral and polar, with threonine, which is neutral and polar, at codon 580 of the BRIP1 protein (p.Ser580Thr).